The following is an entry in ClinVar:

ClinVar aggregate classification (germline): Uncertain significance. Review status: criteria provided, multiple submitters, no conflicts (2 of 4 stars). 2 submissions from 2 submitters: Uncertain significance (2). Last evaluated 2025-07-16.

Conditions:
Progressive sclerosing poliodystrophy (MTDPS4A). Also called: Alpers Syndrome; Mitochondrial DNA depletion syndrome 4A (Alpers type); Alpers-Huttenlocher Syndrome (AHS); ALPERS PROGRESSIVE INFANTILE POLIODYSTROPHY; ALPERS DIFFUSE DEGENERATION OF CEREBRAL GRAY MATTER WITH HEPATIC CIRRHOSIS; Alpers-Huttenlocher Syndrome. Identifiers: Orphanet 726, MedGen C0205710, MONDO:0008758, OMIM 203700.
POLG-related disorder. Also called: POLG-Related Spectrum Disorders; POLG-related condition; POLG-Related Disorders. Identifiers: MedGen C4763519.

Allele frequency attached by ClinVar (database versions not stated): TOPMed below 0.00001.

Submissions (2):

PreventionGenetics, part of Exact Sciences
Classification: Uncertain significance for POLG-related condition. Last evaluated: 2025-07-16. Review status: criteria provided, single submitter. Criteria: ACMG Guidelines, 2015. Collection method: clinical testing. Allele origin: germline.
Comment: The POLG c.304C>A variant is predicted to result in the amino acid substitution p.Arg102Ser. To our knowledge, this variant has not been reported in the literature. This variant is reported in 0.0% of alleles in individuals of African descent in gnomAD. At this time, the clinical significance of this variant is uncertain due to the absence of conclusive functional and genetic evidence.

Labcorp Genetics (formerly Invitae), Labcorp
Classification: Uncertain significance for Progressive sclerosing poliodystrophy. Last evaluated: 2025-04-09. Review status: criteria provided, single submitter. Criteria: Invitae Variant Classification Sherloc (09022015). Collection method: clinical testing. Allele origin: germline.
Comment: This sequence change replaces arginine, which is basic and polar, with serine, which is neutral and polar, at codon 102 of the POLG protein (p.Arg102Ser). This variant is not present in population databases (gnomAD no frequency). This variant has not been reported in the literature in individuals affected with POLG-related conditions. ClinVar contains an entry for this variant (Variation ID: 944038). Invitae Evidence Modeling of protein sequence and biophysical properties (such as structural, functional, and spatial information, amino acid conservation, physicochemical variation, residue mobility, and thermodynamic stability) has been performed for this missense variant. However, the output from this modeling did not meet the statistical confidence thresholds required to predict the impact of this variant on POLG protein function. In summary, the available evidence is currently insufficient to determine the role of this variant in disease. Therefore, it has been classified as a Variant of Uncertain Significance.

NM_002693.3(POLG):c.304C>A (p.Arg102Ser)

Genes: POLG (DNA polymerase gamma, catalytic subunit; minus strand), POLGARF (POLG alternative reading frame; minus strand). Cytogenetic location: 15q26.1.
Variant type: single nucleotide variant.
Coding change: c.304C>A on transcript NM_002693.3 (MANE Select); coding-DNA position 304, C replaced by A.
Protein change: p.Arg102Ser; replaces arginine 102 with serine.
Molecular consequence: missense variant.
Genome position (GRCh38, 1-based): chr15:89,333,451, G>T on the plus strand (C>A on the coding strand, the complement: POLG is on the minus strand). VCF-style: chr15-89333451-G-T. GRCh37 (hg19) VCF-style: chr15-89876682-G-T.
Other names: c.304C>A, p.Arg102Ser (NM_001126131.2); short protein forms R102S.
Identifiers: ClinVar variation 944038 (VCV000944038.11), dbSNP rs1328607569, ClinGen allele CA10602253.
Genomic context (GRCh38, chr15:89,333,451, plus strand): 5'-CGGGCAAGGGCACGGCTGGCTGCCCCCAGAGCCCGTGCTTCTGCAGGTGCTCGACGCTGC[G>T]GCGCACCGCGGCCTCGCCAGGCATCTCCCCTCCTTGCCCGAAGATTTGCTCGTGCAGCCC-3'
Protein context (NP_002684.1, residues 92-112): GEMPGEAAVR[Arg102Ser]SVEHLQKHGL